The following is an entry in ClinVar:

NM_015271.5(TRIM2):c.1073C>A (p.Thr358Lys)

Gene: TRIM2 (tripartite motif containing 2; plus strand). Cytogenetic location: 4q31.3.
Variant type: single nucleotide variant.
Coding change: c.1073C>A on transcript NM_015271.5 (MANE Select); coding-DNA position 1073, C replaced by A.
Protein change: p.Thr358Lys; replaces threonine 358 with lysine.
Molecular consequence: missense variant.
Genome position (GRCh38, 1-based): chr4:153,295,599, C>A. VCF-style: chr4-153295599-C-A. GRCh37 (hg19) VCF-style: chr4-154216751-C-A.
Other names: c.992C>A, p.Thr331Lys (NM_001130067.2, NM_001351056.2, NM_001375512.1 and 5 more transcripts); c.1046C>A, p.Thr349Lys (NM_001351054.2); c.1043C>A, p.Thr348Lys (NM_001351055.2); c.617C>A, p.Thr206Lys (NM_001351057.2); c.1166C>A, p.Thr389Lys (NM_001375488.1); c.1163C>A, p.Thr388Lys (NM_001375489.1); c.1016C>A, p.Thr339Lys (NM_001375490.1); c.1013C>A, p.Thr338Lys (NM_001375491.1); and 3 more; short protein forms T206K, T245K, T246K, T247K, T331K, T338K, T339K, T348K.
Identifiers: ClinVar variation 1722083 (VCV001722083.5), dbSNP rs756377335, ClinGen allele CA358472910.

ClinVar aggregate classification (germline): Uncertain significance (1 of 4 stars; one submission).

Conditions:
Charcot-Marie-Tooth disease type 2R. Also called: Charcot-Marie-Tooth disease, axonal, type 2R; CHARCOT-MARIE-TOOTH DISEASE, AXONAL, AUTOSOMAL RECESSIVE, TYPE 2R; CHARCOT-MARIE-TOOTH NEUROPATHY, TYPE 2R. Identifiers: Orphanet 397968, MedGen C3809655, MONDO:0014208, OMIM 615490.

gnomAD v4.1: 1 of 1,613,876 alleles (0.000062%); highest among the groups gnomAD compares: Non-Finnish European, 0.000085%; no homozygotes.

Submission:

Labcorp Genetics (formerly Invitae), Labcorp
Classification: Uncertain significance for Charcot-Marie-Tooth disease type 2R. Last evaluated: 2022-10-23. Review status: criteria provided, single submitter. Criteria: Invitae Variant Classification Sherloc (09022015). Collection method: clinical testing. Allele origin: germline.
Comment: This sequence change replaces threonine, which is neutral and polar, with lysine, which is basic and polar, at codon 331 of the TRIM2 protein (p.Thr331Lys). This variant is not present in population databases (gnomAD no frequency). This variant has not been reported in the literature in individuals affected with TRIM2-related conditions. Algorithms developed to predict the effect of missense changes on protein structure and function are either unavailable or do not agree on the potential impact of this missense change (SIFT: "Deleterious"; PolyPhen-2: "Probably Damaging"; Align-GVGD: "Class C0"). In summary, the available evidence is currently insufficient to determine the role of this variant in disease. Therefore, it has been classified as a Variant of Uncertain Significance.